The following is an entry in ClinVar:

ClinVar aggregate classification (germline): Pathogenic (1 of 4 stars; one submission).

Conditions:
Cohen syndrome (COH1). Also called: PEPPER SYNDROME; Cutis verticis gyrata, retinitis pigmentosa, and sensorineural deafness. Identifiers: Orphanet 193, MedGen C0265223, MONDO:0008999, OMIM 216550.

Submission:

Labcorp Genetics (formerly Invitae), Labcorp
Classification: Pathogenic for Cohen syndrome. Last evaluated: 2020-01-13. Review status: criteria provided, single submitter. Criteria: Invitae Variant Classification Sherloc (09022015). Collection method: clinical testing. Allele origin: germline.
Comment: For these reasons, this variant has been classified as Pathogenic. Loss-of-function variants in VPS13B are known to be pathogenic (PMID: 15141358, 16648375, 20461111). This variant has not been reported in the literature in individuals with VPS13B-related conditions. This variant is an out-of-frame deletion of the genomic region encompassing exon(s) 16-17 of the VPS13B gene. This is expected to create a premature translational stop signal and result in an absent or disrupted protein product.

Literature cited by the submitters: PubMed 15141358; PubMed 16648375; PubMed 20461111.

NC_000008.10:g.(?_100182257)_(100221906_?)del

Gene: VPS13B (vacuolar protein sorting 13 homolog B; plus strand). Cytogenetic location: 8q22.2.
Variant type: Deletion.
Identifiers: ClinVar variation 1074676 (VCV001074676.5).